The following is an entry in ClinVar:

NM_005045.4(RELN):c.6818G>A (p.Gly2273Asp)

Gene: RELN (reelin; minus strand). Cytogenetic location: 7q22.1.
Variant type: single nucleotide variant.
Coding change: c.6818G>A on transcript NM_005045.4 (MANE Select); coding-DNA position 6818, G replaced by A.
Protein change: p.Gly2273Asp; replaces glycine 2273 with aspartic acid.
Molecular consequence: missense variant.
Genome position (GRCh38, 1-based): chr7:103,540,309, C>T on the plus strand (G>A on the coding strand, the complement: RELN is on the minus strand). VCF-style: chr7-103540309-C-T. GRCh37 (hg19) VCF-style: chr7-103180756-C-T.
Other names: c.6818G>A, p.Gly2273Asp (NM_173054.3); short protein forms G2273D.
Identifiers: ClinVar variation 1005471 (VCV001005471.8), dbSNP rs1830149876, ClinGen allele CA368769885.

ClinVar aggregate classification (germline): Uncertain significance (1 of 4 stars; one submission).

Conditions:
Familial temporal lobe epilepsy 7. Identifiers: Orphanet 101046, MedGen C4225327, MONDO:0014639, OMIM 616436.
Norman-Roberts syndrome (LIS2). Also called: Lissencephaly 2 (Norman-Roberts type). Identifiers: Orphanet 89844, MedGen C0796089, MONDO:0009760, OMIM 257320.

Submission:

Labcorp Genetics (formerly Invitae), Labcorp
Classification: Uncertain significance for Familial temporal lobe epilepsy 7; Norman-Roberts syndrome. Last evaluated: 2025-10-22. Review status: criteria provided, single submitter. Criteria: Invitae Variant Classification Sherloc (09022015). Collection method: clinical testing. Allele origin: germline.
Comment: This sequence change replaces glycine, which is neutral and non-polar, with aspartic acid, which is acidic and polar, at codon 2273 of the RELN protein (p.Gly2273Asp). This variant is not present in population databases (gnomAD no frequency). This variant has not been reported in the literature in individuals affected with RELN-related conditions. ClinVar contains an entry for this variant (Variation ID: 1005471). Invitae Evidence Modeling of protein sequence and biophysical properties (such as structural, functional, and spatial information, amino acid conservation, physicochemical variation, residue mobility, and thermodynamic stability) indicates that this missense variant is not expected to disrupt RELN protein function with a negative predictive value of 80%. In summary, the available evidence is currently insufficient to determine the role of this variant in disease. Therefore, it has been classified as a Variant of Uncertain Significance.